The following is an entry in ClinVar:

NM_001321075.3(DLG4):c.614G>A (p.Arg205Lys)

Gene: DLG4 (discs large MAGUK scaffold protein 4; minus strand). Cytogenetic location: 17p13.1.
Variant type: single nucleotide variant.
Coding change: c.614G>A on transcript NM_001321075.3 (MANE Select); coding-DNA position 614, G replaced by A.
Protein change: p.Arg205Lys; replaces arginine 205 with lysine.
Molecular consequence: missense variant. On other transcripts: non-coding transcript variant (1).
Genome position (GRCh38, 1-based): chr17:7,203,221, C>T on the plus strand (G>A on the coding strand, the complement: DLG4 is on the minus strand). VCF-style: chr17-7203221-C-T. GRCh37 (hg19) VCF-style: chr17-7106540-C-T.
Other names: c.605G>A, p.Arg202Lys (NM_001128827.4); c.734G>A, p.Arg245Lys (NM_001321074.1); c.434G>A, p.Arg145Lys (NM_001321076.3, NM_001321077.3); c.743G>A, p.Arg248Lys (NM_001365.5); c.533G>A, p.Arg178Lys (NM_001369566.3); short protein forms R145K, R245K, R248K, R202K, R178K, R205K.
Identifiers: ClinVar variation 5035353 (VCV005035353.1).
Genomic context (GRCh38, chr17:7,203,221, plus strand): 5'-GGGCTAGAAAATGGGCTAGATGGAGTCCTCACCGCCAGGATCTTGTCTCCAATCTGCAAC[C>T]TCCCATCCTTGTGGGCAGCACCCCCTTCGATGATCTTTGTTACATAGATGCTATTATCTC-3'
Protein context (NP_001308004.1, residues 195-215): IEGGAAHKDG[Arg205Lys]LQIGDKILAV

ClinVar aggregate classification (germline): Uncertain significance (1 of 4 stars; one submission).

Conditions:
Inborn genetic diseases. Identifiers: MedGen C0950123, MeSH D030342.

gnomAD v4.1: 8 of 1,607,926 alleles (0.0005%); highest among the groups gnomAD compares: Non-Finnish European, 0.00068%; no homozygotes.

Submission:

Ambry Genetics
Classification: Uncertain significance for Inborn genetic diseases. Last evaluated: 2026-07-19. Review status: criteria provided, single submitter. Criteria: Ambry Variant Classification Scheme 2023. Collection method: clinical testing. Allele origin: germline.
Comment: The c.743G>A (p.R248K) alteration is located in exon 9 (coding exon 9) of the DLG4 gene. This alteration results from a G to A substitution at nucleotide position 743, causing the arginine (R) at amino acid position 248 to be replaced by a lysine (K). Based on data from gnomAD, the A allele has an overall frequency of 0.001% (2/248018) total alleles studied. The highest observed frequency was 0.002% (2/112420) of European (non-Finnish) alleles. Based on insufficient or conflicting evidence, the clinical significance of this alteration remains unclear.